The following is an entry in ClinVar:

NM_003995.4(NPR2):c.142G>A (p.Ala48Thr)

Gene: NPR2 (natriuretic peptide receptor 2; plus strand). Cytogenetic location: 9p13.3.
Variant type: single nucleotide variant.
Coding change: c.142G>A on transcript NM_003995.4 (MANE Select); coding-DNA position 142, G replaced by A.
Protein change: p.Ala48Thr; replaces alanine 48 with threonine.
Molecular consequence: missense variant.
Genome position (GRCh38, 1-based): chr9:35,792,550, G>A. VCF-style: chr9-35792550-G-A. GRCh37 (hg19) VCF-style: chr9-35792547-G-A.
Other names: c.142G>A, p.Ala48Thr (NM_001378923.1); short protein forms A48T.
Identifiers: ClinVar variation 1800646 (VCV001800646.1), dbSNP rs1291088275, ClinGen allele CA373361748.

ClinVar aggregate classification (germline): Uncertain significance (1 of 4 stars; one submission).

Allele frequency attached by ClinVar (database versions not stated): TOPMed below 0.00001; gnomAD 0.00001.

Submission:

GeneDx
Classification: Uncertain significance. Last evaluated: 2022-11-18. Review status: criteria provided, single submitter. Criteria: GeneDx Variant Classification Process June 2021. Collection method: clinical testing. Allele origin: germline. Affected: yes.
Comment: Has not been previously published as pathogenic or benign to our knowledge; In silico analysis supports that this missense variant has a deleterious effect on protein structure/function; Not observed in large population cohorts (gnomAD)